The following is an entry in ClinVar:

GRCh37/hg19 9p23-22.3(chr9:13798726-14649846)x1

Genes: NFIB (nuclear factor I B; minus strand), ZDHHC21 (zDHHC palmitoyltransferase 21; minus strand). Cytogenetic location: 9p23-22.3.
Variant type: copy number loss.
Change: copy number 1 (one copy instead of two) of chr9:13,798,726-14,649,846 (851.1 kb, GRCh37 coordinates, 1-based), cytogenetic band 9p23-22.3.
Identifiers: ClinVar variation 815234 (VCV000815234.2).

ClinVar aggregate classification (germline): Pathogenic (1 of 4 stars; one submission).

Submission:

Quest Diagnostics Nichols Institute San Juan Capistrano
Classification: Pathogenic. Last evaluated: 2026-06-05. Review status: criteria provided, single submitter. Criteria: ACMG/ClinGen CNV Guidelines, 2019. Collection method: clinical testing. Allele origin: unknown.
Comment: This deletion involves at least two protein-coding genes, including NFIB (OMIM 600728). Haploinsufficiency of NFIB is associated with autosomal dominant acquired macrocephaly with impaired intellectual development (MACID; OMIM 618286; ISCA-1975; Barrus 2020, Schanze 2018). Familial cases have been reported, and variable expressivity has been observed among affected family members. Based on current medical literature, this copy number variant (CNV) is classified as pathogenic.

Literature cited by the submitters: PubMed 32902921; PubMed 30388402.